The following is an entry in ClinVar:

NM_153033.5(KCTD7):c.550C>T (p.Arg184Cys)

Gene: KCTD7 (potassium channel tetramerization domain containing 7; plus strand). Cytogenetic location: 7q11.21.
Variant type: single nucleotide variant.
Coding change: c.550C>T on transcript NM_153033.5 (MANE Select); coding-DNA position 550, C replaced by T.
Protein change: p.Arg184Cys; replaces arginine 184 with cysteine.
Molecular consequence: missense variant.
Genome position (GRCh38, 1-based): chr7:66,638,912, C>T. VCF-style: chr7-66638912-C-T. GRCh37 (hg19) VCF-style: chr7-66103899-C-T.
Other names: c.550C>T, p.Arg184Cys (NM_001167961.2); short protein forms R184C.
Identifiers: ClinVar variation 36926 (VCV000036926.22), dbSNP rs387907246, ClinGen allele CA129977.
Genomic context (GRCh38, chr7:66,638,912, plus strand): 5'-ATAGACCACTTGGAGCGGATTGTGGAGATCGCCCGGCTGCGTGCGGTCCAGCGGAAGGCC[C>T]GCTTTGCCAAGCTCAAGGTCTGTGTCTTCAAGGAGGAGATGCCCATCACCCCCTATGAGT-3'
Protein context (NP_694578.1, residues 174-194): ARLRAVQRKA[Arg184Cys]FAKLKVCVFK

ClinVar aggregate classification (germline): Pathogenic/Likely pathogenic. Review status: criteria provided, multiple submitters, no conflicts (2 of 4 stars). 6 submissions from 6 submitters: Pathogenic (2); Likely pathogenic (3). 1 of the submissions does not count toward it. Last evaluated 2025-06-12.

Conditions:
Inborn genetic diseases. Identifiers: MedGen C0950123, MeSH D030342.
Neuronal ceroid lipofuscinosis. Also called: Neuronal Ceroid Lipofuscinoses. Identifiers: Orphanet 216, Orphanet 79263, MedGen C0027877, MONDO:0016295. Disease mechanism: loss of function.
Epilepsy, progressive myoclonic, 3, with intracellular inclusions. Identifiers: MedGen C4017260.
Progressive myoclonic epilepsy type 3. Also called: EPILEPSY, PROGRESSIVE MYOCLONIC, 3, WITHOUT INTRACELLULAR INCLUSIONS; KCTD7-Related Progressive Myoclonic Epilepsy; EPILEPSY, PROGRESSIVE MYOCLONIC, 3, WITH OR WITHOUT INTRACELLULAR INCLUSIONS; CEROID LIPOFUSCINOSIS, NEURONAL, 14. Identifiers: Orphanet 263516, MedGen C2673257, MONDO:0012721, OMIM 611726.

Allele frequency attached by ClinVar (database versions not stated): gnomAD 0.00001; ExAC 0.00002; gnomAD exomes 0.00002; TOPMed 0.00002.
gnomAD v4.1: 9 of 1,614,036 alleles (0.00056%); highest among the groups gnomAD compares: Admixed American, 0.0067%; no homozygotes.

Submissions (6):

Labcorp Genetics (formerly Invitae), Labcorp
Classification: Pathogenic for Progressive myoclonic epilepsy type 3. Last evaluated: 2025-06-12. Review status: criteria provided, single submitter. Criteria: Invitae Variant Classification Sherloc (09022015). Collection method: clinical testing. Allele origin: germline.
Comment: This sequence change replaces arginine, which is basic and polar, with cysteine, which is neutral and slightly polar, at codon 184 of the KCTD7 protein (p.Arg184Cys). This variant is present in population databases (rs387907246, gnomAD 0.01%). This missense change has been observed in individuals with clinical features of infantile-onset neuronal ceroid lipofuscinosis in individual(s) and families (PMID: 22748208; internal data). It has also been observed to segregate with disease in related individuals. ClinVar contains an entry for this variant (Variation ID: 36926). Invitae Evidence Modeling of protein sequence and biophysical properties (such as structural, functional, and spatial information, amino acid conservation, physicochemical variation, residue mobility, and thermodynamic stability) indicates that this missense variant is not expected to disrupt KCTD7 protein function with a negative predictive value of 80%. Experimental studies are conflicting or provide insufficient evidence to determine the effect of this variant on KCTD7 function (PMID: 22748208, 27742667). For these reasons, this variant has been classified as Pathogenic.

Ambry Genetics
Classification: Likely pathogenic for Inborn genetic diseases. Last evaluated: 2024-02-28. Review status: criteria provided, single submitter. Criteria: Ambry Variant Classification Scheme 2023. Collection method: clinical testing. Allele origin: germline.
Comment: The c.550C>T (p.R184C) alteration is located in exon 4 (coding exon 4) of the KCTD7 gene. This alteration results from a C to T substitution at nucleotide position 550, causing the arginine (R) at amino acid position 184 to be replaced by a cysteine (C). Based on data from gnomAD, the T allele has an overall frequency of 0.002% (5/251302) total alleles studied. The highest observed frequency was 0.012% (4/34570) of Latino alleles. This variant has been identified in the homozygous state in multiple individuals with features consistent with KCTD7-related progressive myoclonus epilepsy (Staropoli, 2012; Monies, 2019). This amino acid position is highly conserved in available vertebrate species. This alteration is predicted to be deleterious by in silico analysis. Based on the available evidence, this alteration is classified as likely pathogenic.

Women's Health and Genetics/Laboratory Corporation of America, LabCorp
Classification: Pathogenic for Neuronal ceroid lipofuscinosis. Last evaluated: 2021-08-12. Review status: criteria provided, single submitter. Criteria: LabCorp Variant Classification Summary - May 2015. Collection method: clinical testing. Allele origin: germline.
Comment: Variant summary: KCTD7 c.550C>T (p.Arg184Cys) results in a non-conservative amino acid change in the encoded protein sequence. Five of five in-silico tools predict a damaging effect of the variant on protein function. The variant allele was found at a frequency of 2e-05 in 251302 control chromosomes. c.550C>T has been reported in the literature as a homozygous genotype in at-least three extensively genotyped (Whole Exome Sequencing, WES) individuals affected with features of Neuronal Ceroid-Lipofuscinosis (Batten Disease) and subsequently cited by others (example, Stropoli_2012, Monies_2019, Kohan_2015, Metz_2018). These data indicate that the variant is very likely to be associated with disease. Multiple publications report experimental evidence evaluating an impact on protein function. The most pronounced variant effect altered the localization pattern of KCTD7 and abrogated interaction with cullin-3, a ubiquitin-ligase component and known KCTD7 interactor (Staropoli_2012). Another publication reports altered potassium conductance and disrupts neuronal glutamine transporter (SAT2) activity (Moen_2016). Two clinical diagnostic laboratories have submitted clinical-significance assessments for this variant to ClinVar after 2014. All laboratories classified the variant as pathogenic/likely pathogenic citing overlapping but not identical evidence utilized in the context of this evaluation. Based on the evidence outlined above, the variant was classified as pathogenic.

Revvity Omics, Revvity
Classification: Likely pathogenic for Progressive myoclonic epilepsy type 3. Last evaluated: 2019-12-05. Review status: criteria provided, single submitter. Criteria: ACMG Guidelines, 2015. Collection method: clinical testing. Allele origin: germline.

GeneDx
Classification: Likely pathogenic. Last evaluated: 2018-06-19. Review status: criteria provided, single submitter. Criteria: GeneDx Variant Classification (06012015). Collection method: clinical testing. Allele origin: germline. Affected: yes.
Comment: The R184C variant in the KCTD7 gene has been identified in the homozygous state in 2 siblings with infantile-onset NCL; parental studies confirmed inheritance (Staropoli et al., 2012). Functional studies demonstrate R184C adversely affects the trafficking and/or solubility of KCTD7 (Staropoli et al., 2012). Moen et al. demonstrate that R184C abolishes K+ conductance and disrupts SAT2 activity which alters the depolorization of cells and impairs glutamine transport, respectively (Moen et al., 2016). The R184C variant is observed in 4/33578 (0.01%) alleles from individuals of Latino background (Lek et al., 2016). The R184C variant is a non-conservative amino acid substitution, which is likely to impact secondary protein structure as these residues differ in polarity, charge, size and/or other properties. In-silico analyses, including protein predictors and evolutionary conservation, support a deleterious effect. Therefore, this variant is likely pathogenic; however, the possibility that it is benign cannot be excluded.

OMIM
Classification: Pathogenic for EPILEPSY, PROGRESSIVE MYOCLONIC, 3, WITH INTRACELLULAR INCLUSIONS. Last evaluated: 2012-07-13. Review status: no assertion criteria provided. Collection method: literature only. Allele origin: germline. Not counted in ClinVar's aggregate classification.

Literature cited by the submitters: PubMed 22748208 (cited by 4 submitters); PubMed 27742667 (cited by 3 submitters); PubMed 31130284 (cited by Ambry Genetics and Women's Health and Genetics/Laboratory Corporation of America, LabCorp); PubMed 25976102 (cited by Women's Health and Genetics/Laboratory Corporation of America, LabCorp); PubMed 30295347 (cited by Women's Health and Genetics/Laboratory Corporation of America, LabCorp).